The following is an entry in ClinVar:

ClinVar aggregate classification (germline): Uncertain significance. Review status: criteria provided, multiple submitters, no conflicts (2 of 4 stars). 2 submissions from 2 submitters: Uncertain significance (2). Last evaluated 2025-05-31.

Conditions:
Neuroblastoma, susceptibility to, 3. Also called: ALK-Related Neuroblastic Tumor Susceptibility. Identifiers: Orphanet 635, MedGen C2751681, MONDO:0013083, OMIM 613014.
Hereditary cancer-predisposing syndrome. Also called: Neoplastic Syndromes, Hereditary; Hereditary Cancer Syndrome; Tumor predisposition; Hereditary neoplastic syndrome. Identifiers: Orphanet 140162, MedGen C0027672, MeSH D009386, MONDO:0015356.

Allele frequency attached by ClinVar (database versions not stated): gnomAD exomes below 0.00001; TOPMed below 0.00001; gnomAD 0.00001.
gnomAD v4.1: 3 of 1,614,012 alleles (0.00019%); highest among the groups gnomAD compares: Non-Finnish European, 0.00025%; no homozygotes.

Submissions (2):

Ambry Genetics
Classification: Uncertain significance for Hereditary cancer-predisposing syndrome. Last evaluated: 2025-05-31. Review status: criteria provided, single submitter. Criteria: Ambry Variant Classification Scheme 2023. Collection method: clinical testing. Allele origin: germline.
Comment: The p.I375N variant (also known as c.1124T>A), located in coding exon 4 of the ALK gene, results from a T to A substitution at nucleotide position 1124. The isoleucine at codon 375 is replaced by asparagine, an amino acid with dissimilar properties. This amino acid position is conserved. In addition, this alteration is predicted to be tolerated by in silico analysis. Since supporting evidence is limited at this time, the clinical significance of this alteration remains unclear.

Labcorp Genetics (formerly Invitae), Labcorp
Classification: Uncertain significance for Neuroblastoma, susceptibility to, 3. Last evaluated: 2024-05-13. Review status: criteria provided, single submitter. Criteria: Invitae Variant Classification Sherloc (09022015). Collection method: clinical testing. Allele origin: germline.
Comment: This sequence change replaces isoleucine, which is neutral and non-polar, with asparagine, which is neutral and polar, at codon 375 of the ALK protein (p.Ile375Asn). This variant is not present in population databases (gnomAD no frequency). This variant has not been reported in the literature in individuals affected with ALK-related conditions. ClinVar contains an entry for this variant (Variation ID: 1431184). An algorithm developed to predict the effect of missense changes on protein structure and function (PolyPhen-2) suggests that this variant is likely to be disruptive. In summary, the available evidence is currently insufficient to determine the role of this variant in disease. Therefore, it has been classified as a Variant of Uncertain Significance.

NM_004304.5(ALK):c.1124T>A (p.Ile375Asn)

Gene: ALK (ALK receptor tyrosine kinase; minus strand). Cytogenetic location: 2p23.2.
Variant type: single nucleotide variant.
Coding change: c.1124T>A on transcript NM_004304.5 (MANE Select); coding-DNA position 1124, T replaced by A.
Protein change: p.Ile375Asn; replaces isoleucine 375 with asparagine.
Molecular consequence: missense variant.
Genome position (GRCh38, 1-based): chr2:29,531,945, A>T on the plus strand (T>A on the coding strand, the complement: ALK is on the minus strand). VCF-style: chr2-29531945-A-T. GRCh37 (hg19) VCF-style: chr2-29754811-A-T.
Other names: c.1124T>A (NM_004304.4); short protein forms I375N.
Identifiers: ClinVar variation 1431184 (VCV001431184.10), dbSNP rs929806482, ClinGen allele CA44957087.